The following is an entry in ClinVar:

NM_000153.4(GALC):c.195+19G>A

Genes: GALC (galactosylceramidase; minus strand), LOC130056217 (ATAC-STARR-seq lymphoblastoid silent region 5988; plus strand). Cytogenetic location: 14q31.3.
Variant type: single nucleotide variant.
Coding change: c.195+19G>A on transcript NM_000153.4 (MANE Select); 19 bases into the intron after coding-DNA position 195, G replaced by A.
Molecular consequence: intron variant.
Genome position (GRCh38, 1-based): chr14:87,992,951, C>T on the plus strand (G>A on the coding strand, the complement: GALC is on the minus strand). VCF-style: chr14-87992951-C-T. GRCh37 (hg19) VCF-style: chr14-88459295-C-T.
Other names: p.?; c.117+432G>A (NM_001201402.2); c.195+19G>A (NM_001201401.2).
Identifiers: ClinVar variation 255373 (VCV000255373.16), dbSNP rs189853941, ClinGen allele CA7297485.

ClinVar aggregate classification (germline): Benign/Likely benign. Review status: criteria provided, multiple submitters, no conflicts (2 of 4 stars). 7 submissions from 7 submitters: Benign (3); Likely benign (4). Last evaluated 2026-01-24.

Conditions:
Galactosylceramide beta-galactosidase deficiency. Also called: GALACTOCEREBROSIDASE DEFICIENCY; GALC DEFICIENCY; GLOBOID CELL LEUKOENCEPHALOPATHY; Krabbe Disease; Leukodystrophy, Globoid Cell. Identifiers: Orphanet 487, MedGen C0023521, MONDO:0009499, OMIM 245200.

Allele frequency attached by ClinVar (database versions not stated): gnomAD 0.00196 and 0.00198; TOPMed 0.00203; 1000 Genomes Project 0.00040; 1000 Genomes Project 30x 0.00062; gnomAD exomes 0.00167; ExAC 0.00180.
gnomAD v4.1: 4,619 of 1,509,366 alleles (0.31%); highest among the groups gnomAD compares: Non-Finnish European, 0.37%; 14 homozygotes.

Submissions (7):

Labcorp Genetics (formerly Invitae), Labcorp
Classification: Benign for Galactosylceramide beta-galactosidase deficiency. Last evaluated: 2026-01-24. Review status: criteria provided, single submitter. Criteria: Invitae Variant Classification Sherloc (09022015). Collection method: clinical testing. Allele origin: germline.

Mayo Clinic Laboratories, Mayo Clinic
Classification: Likely benign. Last evaluated: 2025-08-25. Review status: criteria provided, single submitter. Criteria: ACMG Guidelines, 2015. Collection method: clinical testing. Allele origin: germline. Observed: 1 variant allele.
Comment: BS1, BP4, BP7

Blueprint Genetics
Classification: Likely benign. Last evaluated: 2024-11-26. Review status: criteria provided, single submitter. Criteria: ACMG Guidelines, 2015. Collection method: clinical testing. Allele origin: germline.

Fulgent Genetics
Classification: Likely benign for Galactosylceramide beta-galactosidase deficiency. Last evaluated: 2021-10-05. Review status: criteria provided, single submitter. Criteria: ACMG Guidelines, 2015. Collection method: clinical testing. Allele origin: unknown.

GeneDx
Classification: Likely benign. Last evaluated: 2020-11-18. Review status: criteria provided, single submitter. Criteria: GeneDx Variant Classification Process June 2021. Collection method: clinical testing. Allele origin: germline. Affected: yes.

Women's Health and Genetics/Laboratory Corporation of America, LabCorp
Classification: Benign. Last evaluated: 2020-06-18. Review status: criteria provided, single submitter. Criteria: LabCorp Variant Classification Summary - May 2015. Collection method: clinical testing. Allele origin: germline.
Comment: Variant summary: GALC c.195+19G>A alters a non-conserved nucleotide located close to a canonical splice site and therefore could affect mRNA splicing, leading to a significantly altered protein sequence. 4/4 computational tools predict no significant impact on normal splicing. However, these predictions have yet to be confirmed by functional studies. The variant allele was found at a frequency of 0.0017 in 113460 control chromosomes, predominantly at a frequency of 0.003 within the Non-Finnish European subpopulation in the gnomAD database, including 2 homozygotes. The observed variant frequency within Non-Finnish European control individuals in the gnomAD database is approximately equal to the estimated maximal expected allele frequency for a pathogenic variant in GALC causing Krabbe Disease phenotype (0.0022), strongly suggesting that the variant is a benign polymorphism found primarily in populations of Non-Finnish European origin. To our knowledge, no occurrence of c.195+19G>A in individuals affected with Krabbe Disease and no experimental evidence demonstrating its impact on protein function have been reported. A ClinVar submitter (evaluation after 2014) cites the variant as likely benign. Based on the evidence outlined above, the variant was classified as benign.

PreventionGenetics, part of Exact Sciences
Classification: Benign. Review status: criteria provided, single submitter. Criteria: ACMG Guidelines, 2015. Collection method: clinical testing. Allele origin: germline.